The following is an entry in ClinVar:

NM_001199799.2(ILDR1):c.294del (p.Val99fs)

Gene: ILDR1 (immunoglobulin like domain containing receptor 1; minus strand). Cytogenetic location: 3q13.33.
Variant type: Deletion.
Coding change: c.294del on transcript NM_001199799.2 (MANE Select); coding-DNA position 294, one base deleted (A; older notation c.294delA).
Protein change: p.Val99fs; shifts the reading frame from valine 99.
Molecular consequence: frameshift variant.
Genome position (GRCh38, 1-based): chr3:122,005,329, T deleted on the plus strand (A on the coding strand, the reverse complement: ILDR1 is on the minus strand); the first of 2 consecutive T bases (chr3:122,005,329-122,005,330); deleting either gives the same sequence. VCF-style (leftmost placement, unchanged base first): chr3-122005328-CT-C. GRCh37 (hg19) VCF-style: chr3-121724175-CT-C.
Other names: NM_001199799.1:c.294delA, p.(Val99Phefs*3); c.294del, p.Val99fs (NM_001199800.2, NM_175924.4); short protein forms V99fs.
Identifiers: ClinVar variation 1299310 (VCV001299310.2), dbSNP rs2071591086, ClinGen allele CA1052922461.

ClinVar aggregate classification (germline): Pathogenic (1 of 4 stars; one submission).

Conditions:
Autosomal recessive nonsyndromic hearing loss 42. Identifiers: Orphanet 90636, MedGen C1864818, MONDO:0012326, OMIM 609646.

Submission:

King Laboratory, University of Washington
Classification: Pathogenic for Autosomal recessive nonsyndromic hearing loss 42. Last evaluated: 2020-08-01. Review status: criteria provided, single submitter. Criteria: Abu Rayyan A et al. (Proc Natl Acad Sci U S A 2020). Collection method: research. Allele origin: germline. Affected: yes.
Comment: ILDR1 c.294delA leads to a stop at codon 102. It is homozygous in 2 Palestinian children with profound pre-lingual hearing loss (Abu Rayyan 2020). The variant is absent from 1300 Palestinian controls and absent from public databases.